The following is an entry in ClinVar:

ClinVar aggregate classification (germline): Likely benign. Review status: criteria provided, multiple submitters, no conflicts (2 of 4 stars). 2 submissions from 2 submitters: Likely benign (2). Last evaluated 2024-10-31.

Conditions:
Aicardi-Goutieres syndrome 7 (AGS7). Identifiers: Orphanet 51, MedGen C3888244, MONDO:0014367, OMIM 615846.
Singleton-Merten syndrome 1 (SGMRT1). Also called: Widened medullary cavities of bone, aortic calcification, abnormal dentition, and muscular weakness; Syndrome of widened medullary cavities of the metacarpals and phalanges, aortic calcification and abnormal dentition. Identifiers: Orphanet 85191, MedGen C4225427, MONDO:0024535, OMIM 182250.

Allele frequency attached by ClinVar (database versions not stated): gnomAD exomes below 0.00001.
gnomAD v4.1: 2 of 1,612,648 alleles (0.00012%); highest among the groups gnomAD compares: East Asian, 0.0022%; no homozygotes.

Submissions (2):

Labcorp Genetics (formerly Invitae), Labcorp
Classification: Likely benign for Aicardi-Goutieres syndrome 7; Singleton-Merten syndrome 1. Last evaluated: 2024-10-31. Review status: criteria provided, single submitter. Criteria: Invitae Variant Classification Sherloc (09022015). Collection method: clinical testing. Allele origin: germline.

GeneDx
Classification: Likely benign. Last evaluated: 2016-07-11. Review status: criteria provided, single submitter. Criteria: GeneDx Variant Classification (06012015). Collection method: clinical testing. Allele origin: germline. Affected: yes.
Comment: This variant is considered likely benign or benign based on one or more of the following criteria: it is a conservative change, it occurs at a poorly conserved position in the protein, it is predicted to be benign by multiple in silico algorithms, and/or has population frequency not consistent with disease.

NM_022168.4(IFIH1):c.1032G>A (p.Lys344=)

Gene: IFIH1 (interferon induced with helicase C domain 1; minus strand). Cytogenetic location: 2q24.2.
Variant type: single nucleotide variant.
Coding change: c.1032G>A on transcript NM_022168.4 (MANE Select); coding-DNA position 1032, G replaced by A.
Protein change: p.Lys344=; no amino-acid change (lysine 344 retained).
Molecular consequence: synonymous variant.
Genome position (GRCh38, 1-based): chr2:162,288,198, C>T on the plus strand (G>A on the coding strand, the complement: IFIH1 is on the minus strand). VCF-style: chr2-162288198-C-T. GRCh37 (hg19) VCF-style: chr2-163144708-C-T.
Other names: c.1032G>A, p.Lys344= (LRG_1235t1).
Identifiers: ClinVar variation 387723 (VCV000387723.8), dbSNP rs1057522887, ClinGen allele CA16603901.